The following is an entry in ClinVar:

NM_004064.5(CDKN1B):c.38T>G (p.Leu13Arg)

Gene: CDKN1B (cyclin dependent kinase inhibitor 1B; plus strand). Cytogenetic location: 12p13.1.
Variant type: single nucleotide variant.
Coding change: c.38T>G on transcript NM_004064.5 (MANE Select); coding-DNA position 38, T replaced by G.
Protein change: p.Leu13Arg; replaces leucine 13 with arginine.
Molecular consequence: missense variant.
Genome position (GRCh38, 1-based): chr12:12,717,877, T>G. VCF-style: chr12-12717877-T-G. GRCh37 (hg19) VCF-style: chr12-12870811-T-G.
Other names: short protein forms L13R.
Identifiers: ClinVar variation 1020020 (VCV001020020.13), dbSNP rs1946486449, ClinGen allele CA383968080.

ClinVar aggregate classification (germline): Uncertain significance. Review status: criteria provided, multiple submitters, no conflicts (2 of 4 stars). 2 submissions from 2 submitters: Uncertain significance (2). Last evaluated 2025-12-22.

Conditions:
Hereditary cancer-predisposing syndrome. Also called: Hereditary neoplastic syndrome; Neoplastic Syndromes, Hereditary; Tumor predisposition; Hereditary Cancer Syndrome. Identifiers: Orphanet 140162, MedGen C0027672, MeSH D009386, MONDO:0015356.
Multiple endocrine neoplasia type 4. Also called: MULTIPLE ENDOCRINE NEOPLASIA, TYPE IV. Identifiers: Orphanet 276152, MedGen C1970712, MONDO:0012552, OMIM 610755.

Allele frequency attached by ClinVar (database versions not stated): gnomAD exomes below 0.00001.
gnomAD v4.1: 1 of 1,613,850 alleles (0.000062%); highest among the groups gnomAD compares: Non-Finnish European, 0.000085%; no homozygotes.

Submissions (2):

Labcorp Genetics (formerly Invitae), Labcorp
Classification: Uncertain significance for Multiple endocrine neoplasia type 4. Last evaluated: 2025-12-22. Review status: criteria provided, single submitter. Criteria: Invitae Variant Classification Sherloc (09022015). Collection method: clinical testing. Allele origin: germline.
Comment: This sequence change replaces leucine, which is neutral and non-polar, with arginine, which is basic and polar, at codon 13 of the CDKN1B protein (p.Leu13Arg). This variant is not present in population databases (gnomAD no frequency). This variant has not been reported in the literature in individuals affected with CDKN1B-related conditions. ClinVar contains an entry for this variant (Variation ID: 1020020). An algorithm developed to predict the effect of missense changes on protein structure and function (PolyPhen-2) suggests that this variant is likely to be disruptive. In summary, the available evidence is currently insufficient to determine the role of this variant in disease. Therefore, it has been classified as a Variant of Uncertain Significance.

Ambry Genetics
Classification: Uncertain significance for Hereditary cancer-predisposing syndrome. Last evaluated: 2024-09-09. Review status: criteria provided, single submitter. Criteria: Ambry Variant Classification Scheme 2023. Collection method: clinical testing. Allele origin: germline.
Comment: The p.L13R variant (also known as c.38T>G), located in coding exon 1 of the CDKN1B gene, results from a T to G substitution at nucleotide position 38. The leucine at codon 13 is replaced by arginine, an amino acid with dissimilar properties. This amino acid position is highly conserved in available vertebrate species. In addition, this alteration is predicted to be deleterious by in silico analysis. Since supporting evidence is limited at this time, the clinical significance of this alteration remains unclear.